The following is an entry in ClinVar:

NM_000070.3(CAPN3):c.2380+1G>T

Gene: CAPN3 (calpain 3; plus strand). Cytogenetic location: 15q15.1.
Variant type: single nucleotide variant.
Coding change: c.2380+1G>T on transcript NM_000070.3 (MANE Select); the canonical splice donor site of the intron after coding-DNA position 2380, G replaced by T.
Molecular consequence: splice donor variant.
Genome position (GRCh38, 1-based): chr15:42,411,001, G>T. VCF-style: chr15-42411001-G-T. GRCh37 (hg19) VCF-style: chr15-42703199-G-T.
Other names: c.2362+1G>T (NM_024344.2); c.2104+1G>T (NM_173087.2); c.844+1G>T (NM_173088.2); c.385+1G>T (NM_173090.2, NM_173089.2).
Identifiers: ClinVar variation 555344 (VCV000555344.12), dbSNP rs1555423222, ClinGen allele CA392002218.

ClinVar aggregate classification (germline): Pathogenic. Review status: criteria provided, multiple submitters, no conflicts (2 of 4 stars). 3 submissions from 3 submitters: Pathogenic (2). 1 of the submissions does not count toward it. Last evaluated 2023-08-23.

Conditions:
Muscular dystrophy, limb-girdle, autosomal dominant 4. Also called: MUSCULAR DYSTROPHY, LIMB-GIRDLE, TYPE 1I; Calpain-3-related limb-girdle muscular dystrophy D4. Identifiers: Orphanet 565909, MedGen C4748295, MONDO:0029133, OMIM 618129.
Autosomal recessive limb-girdle muscular dystrophy type 2A (LGMDR1). Also called: Muscular dystrophy, limb-girdle, type 2A, Amish; LEYDEN-MOEBIUS MUSCULAR DYSTROPHY; MUSCULAR DYSTROPHY, PELVOFEMORAL; Limb-girdle muscular dystrophy, type 2A; Calpainopathy. Identifiers: Orphanet 267, MedGen C1869123, MONDO:0009675, OMIM 253600. Disease mechanism: loss of function.

gnomAD v4.1: 1 of 1,607,854 alleles (0.000062%); highest among the groups gnomAD compares: African/African-American, 0.0013%; no homozygotes.

Submissions (3):

Baylor Genetics
Classification: Pathogenic for Muscular dystrophy, limb-girdle, autosomal dominant 4. Last evaluated: 2023-08-23. Review status: criteria provided, single submitter. Criteria: ACMG Guidelines, 2015. Collection method: clinical testing. Allele origin: unknown.

Labcorp Genetics (formerly Invitae), Labcorp
Classification: Pathogenic for Autosomal recessive limb-girdle muscular dystrophy type 2A. Last evaluated: 2020-01-28. Review status: criteria provided, single submitter. Criteria: Invitae Variant Classification Sherloc (09022015). Collection method: clinical testing. Allele origin: germline.
Comment: This variant has been observed in individual(s) with limb girdle muscular dystrophy (PMID: 17994539, 18055493). ClinVar contains an entry for this variant (Variation ID: 555344). Algorithms developed to predict the effect of sequence changes on RNA splicing suggest that this variant may disrupt the consensus splice site, but this prediction has not been confirmed by published transcriptional studies. Donor and acceptor splice site variants typically lead to a loss of protein function (PMID: 16199547), and loss-of-function variants in CAPN3 are known to be pathogenic (PMID: 10330340, 15689361). For these reasons, this variant has been classified as Pathogenic. This sequence change affects a donor splice site in intron 22 of the CAPN3 gene. It is expected to disrupt RNA splicing and likely results in an absent or disrupted protein product. This variant is not present in population databases (ExAC no frequency).

Counsyl
Classification: Likely pathogenic for Autosomal recessive limb-girdle muscular dystrophy type 2A. Last evaluated: 2017-12-01. Review status: no assertion criteria provided. Collection method: clinical testing. Allele origin: unknown. Not counted in ClinVar's aggregate classification.

Literature cited by the submitters: PubMed 17994539 (cited by Labcorp Genetics (formerly Invitae), Labcorp and Counsyl); PubMed 18055493 (cited by Labcorp Genetics (formerly Invitae), Labcorp and Counsyl); PubMed 16199547 (cited by Labcorp Genetics (formerly Invitae), Labcorp); PubMed 10330340 (cited by Labcorp Genetics (formerly Invitae), Labcorp); PubMed 15689361 (cited by Labcorp Genetics (formerly Invitae), Labcorp).